The following is an entry in ClinVar:

ClinVar aggregate classification (germline): Uncertain significance. Review status: criteria provided, multiple submitters, no conflicts (2 of 4 stars). 2 submissions from 2 submitters: Uncertain significance (2). Last evaluated 2024-12-03.

Conditions:
Inborn genetic diseases. Identifiers: MedGen C0950123, MeSH D030342.
Spastic paraplegia. Identifiers: MedGen C0037772, HP:0001258.

Allele frequency attached by ClinVar (database versions not stated): gnomAD 0.00011; TOPMed 0.00014.

Submissions (2):

Ambry Genetics
Classification: Uncertain significance for Inborn genetic diseases. Last evaluated: 2024-12-03. Review status: criteria provided, single submitter. Criteria: Ambry Variant Classification Scheme 2023. Collection method: clinical testing. Allele origin: germline.

Labcorp Genetics (formerly Invitae), Labcorp
Classification: Uncertain significance for Spastic paraplegia. Last evaluated: 2022-05-28. Review status: criteria provided, single submitter. Criteria: Invitae Variant Classification Sherloc (09022015). Collection method: clinical testing. Allele origin: germline.
Comment: This sequence change replaces methionine, which is neutral and non-polar, with isoleucine, which is neutral and non-polar, at codon 1681 of the ZFYVE26 protein (p.Met1681Ile). This variant is present in population databases (rs759111550, gnomAD 0.02%). This variant has not been reported in the literature in individuals affected with ZFYVE26-related conditions. Algorithms developed to predict the effect of missense changes on protein structure and function (SIFT, PolyPhen-2, Align-GVGD) all suggest that this variant is likely to be tolerated. In summary, the available evidence is currently insufficient to determine the role of this variant in disease. Therefore, it has been classified as a Variant of Uncertain Significance.

NM_015346.4(ZFYVE26):c.5043G>A (p.Met1681Ile)

Gene: ZFYVE26 (zinc finger FYVE-type containing 26; minus strand). Cytogenetic location: 14q24.1.
Variant type: single nucleotide variant.
Coding change: c.5043G>A on transcript NM_015346.4 (MANE Select); coding-DNA position 5043, G replaced by A.
Protein change: p.Met1681Ile; replaces methionine 1681 with isoleucine.
Molecular consequence: missense variant.
Genome position (GRCh38, 1-based): chr14:67,776,038, C>T on the plus strand (G>A on the coding strand, the complement: ZFYVE26 is on the minus strand). VCF-style: chr14-67776038-C-T. GRCh37 (hg19) VCF-style: chr14-68242755-C-T.
Other names: c.5043G>A (NM_015346.3); short protein forms M1681I.
Identifiers: ClinVar variation 2144540 (VCV002144540.2), dbSNP rs759111550, ClinGen allele CA7239598.